The following is an entry in ClinVar:

ClinVar aggregate classification (germline): Uncertain significance (1 of 4 stars; one submission).

Allele frequency attached by ClinVar (database versions not stated): ExAC 0.00003; gnomAD 0.00003; TOPMed 0.00003.
gnomAD v4.1: 44 of 1,614,100 alleles (0.0027%); highest among the groups gnomAD compares: Non-Finnish European, 0.0037%; no homozygotes.

Submission:

Labcorp Genetics (formerly Invitae), Labcorp
Classification: Uncertain significance. Last evaluated: 2024-06-17. Review status: criteria provided, single submitter. Criteria: Invitae Variant Classification Sherloc (09022015). Collection method: clinical testing. Allele origin: germline.
Comment: This sequence change replaces aspartic acid, which is acidic and polar, with histidine, which is basic and polar, at codon 728 of the UBE3B protein (p.Asp728His). This variant is present in population databases (rs765252784, gnomAD 0.004%). This variant has not been reported in the literature in individuals affected with UBE3B-related conditions. Advanced modeling of protein sequence and biophysical properties (such as structural, functional, and spatial information, amino acid conservation, physicochemical variation, residue mobility, and thermodynamic stability) performed at Invitae indicates that this missense variant is not expected to disrupt UBE3B protein function with a negative predictive value of 80%. In summary, the available evidence is currently insufficient to determine the role of this variant in disease. Therefore, it has been classified as a Variant of Uncertain Significance.

NM_130466.4(UBE3B):c.2182G>C (p.Asp728His)

Gene: UBE3B (ubiquitin protein ligase E3B; plus strand). Cytogenetic location: 12q24.11.
Variant type: single nucleotide variant.
Coding change: c.2182G>C on transcript NM_130466.4 (MANE Select); coding-DNA position 2182, G replaced by C.
Protein change: p.Asp728His; replaces aspartic acid 728 with histidine.
Molecular consequence: missense variant.
Genome position (GRCh38, 1-based): chr12:109,521,253, G>C. VCF-style: chr12-109521253-G-C. GRCh37 (hg19) VCF-style: chr12-109959058-G-C.
Other names: c.2182G>C, p.Asp728His (NM_183415.3); short protein forms D728H.
Identifiers: ClinVar variation 2994333 (VCV002994333.3), dbSNP rs765252784, ClinGen allele CA6778141.